The following is an entry in ClinVar:

ClinVar aggregate classification (germline): Uncertain significance. Review status: criteria provided, multiple submitters, no conflicts (2 of 4 stars). 3 submissions from 3 submitters: Uncertain significance (3). Last evaluated 2025-10-17.

Conditions:
Inborn genetic diseases. Identifiers: MedGen C0950123, MeSH D030342.
SCO2-related disorder. Also called: SCO2-related condition.

Allele frequency attached by ClinVar (database versions not stated): ESP Exome Variant Server 0.00023.
gnomAD v4.1: 47 of 1,609,814 alleles (0.0029%); highest among the groups gnomAD compares: African/African-American, 0.063%; no homozygotes.

Submissions (3):

Ambry Genetics
Classification: Uncertain significance for Inborn genetic diseases. Last evaluated: 2025-10-17. Review status: criteria provided, single submitter. Criteria: Ambry Variant Classification Scheme 2023. Collection method: clinical testing. Allele origin: germline.

PreventionGenetics, part of Exact Sciences
Classification: Uncertain significance for SCO2-related condition. Last evaluated: 2025-01-29. Review status: criteria provided, single submitter. Criteria: ACMG Guidelines, 2015. Collection method: clinical testing. Allele origin: germline.
Comment: The SCO2 c.236G>C variant is predicted to result in the amino acid substitution p.Arg79Thr. To our knowledge, this variant has not been reported in the literature. This variant is reported in 0.071% of alleles in individuals of African descent in gnomAD. Although we suspect that this variant may be benign, at this time, the clinical significance of this variant is uncertain due to the absence of conclusive functional and genetic evidence.

Labcorp Genetics (formerly Invitae), Labcorp
Classification: Uncertain significance. Last evaluated: 2022-08-23. Review status: criteria provided, single submitter. Criteria: Invitae Variant Classification Sherloc (09022015). Collection method: clinical testing. Allele origin: germline.
Comment: This sequence change replaces arginine, which is basic and polar, with threonine, which is neutral and polar, at codon 79 of the SCO2 protein (p.Arg79Thr). This variant is present in population databases (rs138350129, gnomAD 0.07%). This variant has not been reported in the literature in individuals affected with SCO2-related conditions. ClinVar contains an entry for this variant (Variation ID: 1484493). Algorithms developed to predict the effect of missense changes on protein structure and function are either unavailable or do not agree on the potential impact of this missense change (SIFT: "Tolerated"; PolyPhen-2: "Possibly Damaging"; Align-GVGD: "Class C0"). In summary, the available evidence is currently insufficient to determine the role of this variant in disease. Therefore, it has been classified as a Variant of Uncertain Significance.

NM_005138.3(SCO2):c.236G>C (p.Arg79Thr)

Genes: NCAPH2 (non-SMC condensin II complex subunit H2; plus strand), SCO2 (synthesis of cytochrome C oxidase 2; minus strand). Cytogenetic location: 22q13.33.
Variant type: single nucleotide variant.
Coding change: c.236G>C on transcript NM_005138.3 (MANE Select); coding-DNA position 236, G replaced by C.
Protein change: p.Arg79Thr; replaces arginine 79 with threonine.
Molecular consequence: missense variant. On other transcripts: 3 prime UTR variant (2).
Genome position (GRCh38, 1-based): chr22:50,524,176, C>G on the plus strand (G>C on the coding strand, the complement: SCO2 is on the minus strand). VCF-style: chr22-50524176-C-G. GRCh37 (hg19) VCF-style: chr22-50962605-C-G.
Other names: c.236G>C, p.Arg79Thr (NM_001169109.2, NM_001169110.1, NM_001169111.2); c.*801C>G (NM_001185011.2, NM_152299.4); c.236G>C (NM_005138.2); short protein forms R79T.
Identifiers: ClinVar variation 1484493 (VCV001484493.5), dbSNP rs138350129, ClinGen allele CA10321257.